The following is an entry in ClinVar:

NM_032638.5(GATA2):c.189C>T (p.Pro63=)

Gene: GATA2 (GATA binding protein 2; minus strand). Cytogenetic location: 3q21.3.
Variant type: single nucleotide variant.
Coding change: c.189C>T on transcript NM_032638.5 (MANE Select); coding-DNA position 189, C replaced by T.
Protein change: p.Pro63=; no amino-acid change (proline 63 retained).
Molecular consequence: synonymous variant.
Genome position (GRCh38, 1-based): chr3:128,486,843, G>A on the plus strand (C>T on the coding strand, the complement: GATA2 is on the minus strand). VCF-style: chr3-128486843-G-A. GRCh37 (hg19) VCF-style: chr3-128205686-G-A.
Other names: p.Pro63=; c.189C>T, p.Pro63= (NM_001145661.2, NM_001145662.1).
Identifiers: ClinVar variation 702973 (VCV000702973.18), dbSNP rs763735447, ClinGen allele CA2600086.

ClinVar aggregate classification (germline): Likely benign. Review status: criteria provided, multiple submitters, no conflicts (2 of 4 stars). 8 submissions from 8 submitters: Likely benign (8). Last evaluated 2026-01-24.

Conditions:
Hereditary cancer-predisposing syndrome. Also called: Neoplastic Syndromes, Hereditary; Hereditary neoplastic syndrome; Hereditary Cancer Syndrome; Tumor predisposition. Identifiers: Orphanet 140162, MedGen C0027672, MeSH D009386, MONDO:0015356.
Inborn genetic diseases. Identifiers: MedGen C0950123, MeSH D030342.
Deafness-lymphedema-leukemia syndrome. Also called: Emberger syndrome; Lymphedema, primary, with myelodysplasia. Identifiers: Orphanet 3226, MedGen C3279664, MONDO:0013540, OMIM 614038.
Monocytopenia with susceptibility to infections. Also called: IMMUNODEFICIENCY 21; GATA2 DEFICIENCY; MONOCYTOPENIA AND MYCOBACTERIAL INFECTION SYNDROME; MONOCYTOPENIA WITH SUSCEPTIBILITY TO MYCOBACTERIAL, FUNGAL, AND PAPILLOMAVIRUS INFECTIONS AND MYELODYSPLASIA; COMBINED IMMUNODEFICIENCY WITH SUSCEPTIBILITY TO MYCOBACTERIAL, VIRAL, AND FUNGAL INFECTIONS; Dendritic cell, monocyte, B lymphocyte, and natural killer lymphocyte deficiency. Identifiers: Orphanet 228423, MedGen C3280030, MONDO:0013607, OMIM 614172.

Allele frequency attached by ClinVar (database versions not stated): TOPMed 0.00001; ExAC 0.00002; gnomAD exomes 0.00002 and 0.00003; gnomAD 0.00007 and 0.00009.
gnomAD v4.1: 59 of 1,611,696 alleles (0.0037%); highest among the groups gnomAD compares: Middle Eastern, 0.63%; 3 homozygotes.

Submissions (8):

Labcorp Genetics (formerly Invitae), Labcorp
Classification: Likely benign for Monocytopenia with susceptibility to infections; Deafness-lymphedema-leukemia syndrome. Last evaluated: 2026-01-24. Review status: criteria provided, single submitter. Criteria: Invitae Variant Classification Sherloc (09022015). Collection method: clinical testing. Allele origin: germline.

Women's Health and Genetics/Laboratory Corporation of America, LabCorp
Classification: Likely benign. Last evaluated: 2025-05-29. Review status: criteria provided, single submitter. Criteria: LabCorp Variant Classification Summary - May 2015. Collection method: clinical testing. Allele origin: germline.

Blueprint Genetics
Classification: Likely benign. Last evaluated: 2024-09-25. Review status: criteria provided, single submitter. Criteria: ACMG Guidelines, 2015. Collection method: clinical testing. Allele origin: germline.

Ambry Genetics
Classification: Likely benign for Inborn genetic diseases. Last evaluated: 2024-08-21. Review status: criteria provided, single submitter. Criteria: Ambry Variant Classification Scheme 2023. Collection method: clinical testing. Allele origin: germline.

Mayo Clinic Laboratories, Mayo Clinic
Classification: Likely benign. Last evaluated: 2024-01-19. Review status: criteria provided, single submitter. Criteria: ACMG Guidelines, 2015. Collection method: clinical testing. Allele origin: germline. Observed: 4 variant alleles.
Comment: BP4, BP7

Sema4
Classification: Likely benign for Hereditary cancer-predisposing syndrome. Last evaluated: 2021-03-13. Review status: criteria provided, single submitter. Criteria: Sema4 Curation Guidelines. Collection method: curation. Allele origin: germline.

PreventionGenetics, part of Exact Sciences
Classification: Likely benign. Last evaluated: 2019-01-23. Review status: criteria provided, single submitter. Criteria: ACMG Guidelines, 2015. Collection method: clinical testing. Allele origin: germline.

Breakthrough Genomics
Classification: Likely benign. Review status: criteria provided, single submitter. Criteria: ACMG Guidelines, 2015. Collection method: not provided. Allele origin: germline. Inheritance: Autosomal dominant inheritance. Affected: yes.